The following is an entry in ClinVar:

NM_182914.3(SYNE2):c.17158A>G (p.Ser5720Gly)

Gene: SYNE2 (spectrin repeat containing nuclear envelope protein 2; plus strand). Cytogenetic location: 14q23.2.
Variant type: single nucleotide variant.
Coding change: c.17158A>G on transcript NM_182914.3 (MANE Select); coding-DNA position 17158, A replaced by G.
Protein change: p.Ser5720Gly; replaces serine 5720 with glycine.
Molecular consequence: missense variant.
Genome position (GRCh38, 1-based): chr14:64,170,385, A>G. VCF-style: chr14-64170385-A-G. GRCh37 (hg19) VCF-style: chr14-64637103-A-G.
Other names: c.17158A>G (NM_182914.2); c.17158A>G, p.Ser5720Gly (NM_015180.6); short protein forms S5720G.
Identifiers: ClinVar variation 1555112 (VCV001555112.11), dbSNP rs151044620, ClinGen allele CA7223611.

ClinVar aggregate classification (germline): Conflicting classifications of pathogenicity. Review status: criteria provided, conflicting classifications (1 of 4 stars). 3 submissions from 3 submitters: Uncertain significance (1); Likely benign (2). Last evaluated 2025-08-04.

Conditions:
Emery-Dreifuss muscular dystrophy 5, autosomal dominant (EDMD5). Also called: EMERY-DREIFUSS MUSCULAR DYSTROPHY 5. Identifiers: Orphanet 261, MedGen C2751805, MONDO:0013072, OMIM 612999.

Allele frequency attached by ClinVar (database versions not stated): gnomAD exomes 0.00008; ExAC 0.00012; ESP Exome Variant Server 0.00015; gnomAD 0.00025 and 0.00029; TOPMed 0.00034.
gnomAD v4.1: 59 of 1,614,140 alleles (0.0037%); highest among the groups gnomAD compares: African/African-American, 0.073%; no homozygotes.

Submissions (3):

Labcorp Genetics (formerly Invitae), Labcorp
Classification: Likely benign for Emery-Dreifuss muscular dystrophy 5, autosomal dominant. Last evaluated: 2025-08-04. Review status: criteria provided, single submitter. Criteria: Invitae Variant Classification Sherloc (09022015). Collection method: clinical testing. Allele origin: germline.

Women's Health and Genetics/Laboratory Corporation of America, LabCorp
Classification: Likely benign. Last evaluated: 2025-05-08. Review status: criteria provided, single submitter. Criteria: LabCorp Variant Classification Summary - May 2015. Collection method: clinical testing. Allele origin: germline.
Comment: Variant summary: SYNE2 c.17158A>G (p.Ser5720Gly) results in a non-conservative amino acid change in the encoded protein sequence. Algorithms developed to predict the effect of missense changes on protein structure and function are either unavailable or do not agree on the potential impact of this missense change. The variant allele was found at a frequency of 7.6e-05 in 251372 control chromosomes, predominantly at a frequency of 0.0012 within the African or African-American subpopulation in the gnomAD database. The observed variant frequency within African or African-American control individuals in the gnomAD database exceeds the estimated maximal expected allele frequency for a pathogenic variant in SYNE2 causing Emery-Dreifuss muscular dystrophy 5, autosomal dominant phenotype. To our knowledge, no occurrence of c.17158A>G in individuals affected with Emery-Dreifuss muscular dystrophy 5, autosomal dominant and no experimental evidence demonstrating its impact on protein function have been reported. ClinVar contains an entry for this variant (Variation ID: 1555112). Based on the evidence outlined above, the variant was classified as likely benign.

Ambry Genetics
Classification: Uncertain significance. Last evaluated: 2025-03-08. Review status: criteria provided, single submitter. Criteria: Ambry Variant Classification Scheme 2023. Collection method: clinical testing. Allele origin: germline.